The following is an entry in ClinVar:

ClinVar aggregate classification (germline): Uncertain significance. Review status: criteria provided, multiple submitters, no conflicts (2 of 4 stars). 2 submissions from 2 submitters: Uncertain significance (2). Last evaluated 2025-10-22.

Allele frequency attached by ClinVar (database versions not stated): ExAC 0.00001; gnomAD 0.00001; TOPMed 0.00003.
gnomAD v4.1: 5 of 1,205,839 alleles (0.00041%); highest among the groups gnomAD compares: Admixed American, 0.0088%; no homozygotes.

Submissions (2):

Ambry Genetics
Classification: Uncertain significance. Last evaluated: 2025-10-22. Review status: criteria provided, single submitter. Criteria: Ambry Variant Classification Scheme 2023. Collection method: clinical testing. Allele origin: germline.
Comment: The c.230A>T (p.D77V) alteration is located in exon 3 (coding exon 3) of the BCORL1 gene. This alteration results from a A to T substitution at nucleotide position 230, causing the aspartic acid (D) at amino acid position 77 to be replaced by a valine (V). Based on data from gnomAD, the T allele has an overall frequency of 0.002% (3/178527) total alleles studied. The highest observed frequency was 0.007% (2/26944) of Latino alleles. Based on insufficient or conflicting evidence, the clinical significance of this alteration remains unclear.

GeneDx
Classification: Uncertain significance. Last evaluated: 2023-06-14. Review status: criteria provided, single submitter. Criteria: GeneDx Variant Classification Process June 2021. Collection method: clinical testing. Allele origin: germline. Affected: yes.
Comment: Has not been previously published as pathogenic or benign to our knowledge; In silico analysis supports that this missense variant does not alter protein structure/function

NM_001379451.1(BCORL1):c.230A>T (p.Asp77Val)

Gene: BCORL1 (BCL6 corepressor like 1; plus strand). Cytogenetic location: Xq26.1.
Variant type: single nucleotide variant.
Coding change: c.230A>T on transcript NM_001379451.1 (MANE Select); coding-DNA position 230, A replaced by T.
Protein change: p.Asp77Val; replaces aspartic acid 77 with valine.
Molecular consequence: missense variant.
Genome position (GRCh38, 1-based): chrX:130,013,002, A>T. VCF-style: chrX-130013002-A-T. GRCh37 (hg19) VCF-style: chrX-129146978-A-T.
Other names: c.230A>T, p.Asp77Val (NM_001184772.3, NM_001379450.1, NM_021946.5); short protein forms D77V.
Identifiers: ClinVar variation 3253241 (VCV003253241.2), dbSNP rs756903033.